The following is an entry in ClinVar:

ClinVar aggregate classification (germline): Uncertain significance. Review status: criteria provided, multiple submitters, no conflicts (2 of 4 stars). 3 submissions from 3 submitters: Uncertain significance (2). 1 of the submissions does not count toward it. Last evaluated 2024-08-01.

Conditions:
Developmental and epileptic encephalopathy, 13 (DEE13). Also called: Developmental and Epileptic Encephalopathy (SCN8A-DEE); SCN8A-Related Epilepsy; Early infantile epileptic encephalopathy 13. Identifiers: Orphanet 442835, MedGen C3281191, MONDO:0013801, OMIM 614558.
Early-infantile DEE. Also called: Early infantile epileptic encephalopathy; Ohtahara syndrome; Early infantile epileptic encephalopathy with suppression bursts. Identifiers: Orphanet 1934, MedGen C0393706, MONDO:0800491.

Allele frequency attached by ClinVar (database versions not stated): ExAC 0.00001; gnomAD 0.00001; gnomAD exomes 0.00001.
gnomAD v4.1: 40 of 1,575,754 alleles (0.0025%); highest among the groups gnomAD compares: Non-Finnish European, 0.0033%; no homozygotes.

Submissions (3):

Women's Health and Genetics/Laboratory Corporation of America, LabCorp
Classification: Uncertain significance. Last evaluated: 2024-08-01. Review status: criteria provided, single submitter. Criteria: LabCorp Variant Classification Summary - May 2015. Collection method: clinical testing. Allele origin: germline.
Comment: Variant summary: SCN8A c.2003C>T (p.Thr668Ile) results in a non-conservative amino acid change located in the Voltage-gated Na+ ion channel, cytoplasmic domain (IPR024583) of the encoded protein sequence. Four of five in-silico tools predict a damaging effect of the variant on protein function. The variant allele was found at a frequency of 1.4e-05 in 218480 control chromosomes. The available data on variant occurrences in the general population are insufficient to allow any conclusion about variant significance. c.2003C>T has been reported in the literature in at-least one individual affected neuropsychiatric disorder (Li_2016). These report(s) do not provide unequivocal conclusions about association of the variant with Early Infantile Epileptic Encephalopathy 13. To our knowledge, no experimental evidence demonstrating an impact on protein function has been reported. The following publication has been ascertained in the context of this evaluation (PMID: 25849321). ClinVar contains an entry for this variant (Variation ID: 253283). Based on the evidence outlined above, the variant was classified as uncertain significance.

Labcorp Genetics (formerly Invitae), Labcorp
Classification: Uncertain significance for Early-infantile DEE. Last evaluated: 2023-10-14. Review status: criteria provided, single submitter. Criteria: Invitae Variant Classification Sherloc (09022015). Collection method: clinical testing. Allele origin: germline.
Comment: This sequence change replaces threonine, which is neutral and polar, with isoleucine, which is neutral and non-polar, at codon 668 of the SCN8A protein (p.Thr668Ile). This variant is present in population databases (rs758253791, gnomAD 0.002%). This missense change has been observed in individual(s) with clinical features of SCN8A-related conditions (PMID: 25849321; Invitae). ClinVar contains an entry for this variant (Variation ID: 253283). Advanced modeling of protein sequence and biophysical properties (such as structural, functional, and spatial information, amino acid conservation, physicochemical variation, residue mobility, and thermodynamic stability) performed at Invitae indicates that this missense variant is not expected to disrupt SCN8A protein function. In summary, the available evidence is currently insufficient to determine the role of this variant in disease. Therefore, it has been classified as a Variant of Uncertain Significance.

GeneReviews
No classification provided. Condition: Developmental and epileptic encephalopathy, 13. Review status: no classification provided. Collection method: literature only. Allele origin: germline. Affected: yes. Not counted in ClinVar's aggregate classification.

Literature cited by the submitters: PubMed 25849321 (cited by Women's Health and Genetics/Laboratory Corporation of America, LabCorp and Labcorp Genetics (formerly Invitae), Labcorp); PubMed 24874546 (cited by GeneReviews); NCBI Bookshelf NBK379665 (cited by GeneReviews).

NM_001330260.2(SCN8A):c.2003C>T (p.Thr668Ile)

Gene: SCN8A (sodium voltage-gated channel alpha subunit 8; plus strand). Cytogenetic location: 12q13.13.
Variant type: single nucleotide variant.
Coding change: c.2003C>T on transcript NM_001330260.2 (MANE Select); coding-DNA position 2003, C replaced by T.
Protein change: p.Thr668Ile; replaces threonine 668 with isoleucine.
Molecular consequence: missense variant.
Genome position (GRCh38, 1-based): chr12:51,745,907, C>T. VCF-style: chr12-51745907-C-T. GRCh37 (hg19) VCF-style: chr12-52139691-C-T.
Other names: NP_055006.1:p.Thr767Ile; c.2003C>T, p.Thr668Ile (NM_001177984.3, NM_001369788.1, NM_014191.4); short protein forms T668I.
Identifiers: ClinVar variation 253283 (VCV000253283.12), dbSNP rs758253791, ClinGen allele CA6571404.